The following is an entry in ClinVar:

NM_000498.3(CYP11B2):c.476C>G (p.Pro159Arg)

Genes: CYP11B2 (cytochrome P450 family 11 subfamily B member 2; minus strand), LOC106799834 (CYP11B2 recombination region; plus strand). Cytogenetic location: 8q24.3.
Variant type: single nucleotide variant.
Coding change: c.476C>G on transcript NM_000498.3 (MANE Select); coding-DNA position 476, C replaced by G.
Protein change: p.Pro159Arg; replaces proline 159 with arginine.
Molecular consequence: missense variant.
Genome position (GRCh38, 1-based): chr8:142,915,165, G>C on the plus strand (C>G on the coding strand, the complement: CYP11B2 is on the minus strand). VCF-style: chr8-142915165-G-C. GRCh37 (hg19) VCF-style: chr8-143996581-G-C.
Other names: short protein forms P159R.
Identifiers: ClinVar variation 4819027 (VCV004819027.1).

ClinVar aggregate classification (germline): Uncertain significance (1 of 4 stars; one submission).

Conditions:
Familial hyperreninemic hypoaldosteronism type 2. Identifiers: Orphanet 99764, MedGen C1846990, MONDO:0011754, OMIM 606984.

Submission:

Victorian Clinical Genetics Services, Murdoch Childrens Research Institute
Classification: Uncertain significance for Familial hyperreninemic hypoaldosteronism type 2. Last evaluated: 2025-12-29. Review status: criteria provided, single submitter. Criteria: ACMG Guidelines, 2015. Collection method: clinical testing. Allele origin: germline. Affected: yes.
Comment: This variant is classified as VUS-3B. Evidence in support of pathogenic classification: Variant is absent from gnomAD (v2, v3 and v4). Additional information: Variant is predicted to result in a missense amino acid change from Pro to Arg; This variant is homozygous; This gene is associated with autosomal recessive disease; Alternative amino acid change(s) at the same position are present in gnomAD (highest allele count: v4: 34 heterozygote(s), 0 homozygote(s)); This variant has no previous evidence of pathogenicity; No published evidence of segregation with disease has been identified for this variant; No published functional evidence has been identified for this variant; No comparable missense variants have previous evidence for pathogenicity. p.(Pro159Leu) has been classified as likely benign by a clinical laboratory in ClinVar in the context of population screening; Variant is located in the annotated p450 domain (DECIPHER). - Missense variant with inconclusive in silico prediction and/or uninformative conservation; Loss of function is a known mechanism of disease in this gene and is associated with congenital hypoaldosteronism due to CMO I deficiency (MIM#203400) or CMO II deficiency (MIM#610600); Inheritance information for this variant is not currently available in this individual.